The following is an entry in ClinVar:

NM_002519.3(NPAT):c.1278G>T (p.Lys426Asn)

Gene: NPAT (nuclear protein, coactivator of histone transcription; minus strand). Cytogenetic location: 11q22.3.
Variant type: single nucleotide variant.
Coding change: c.1278G>T on transcript NM_002519.3 (MANE Select); coding-DNA position 1278, G replaced by T.
Protein change: p.Lys426Asn; replaces lysine 426 with asparagine.
Molecular consequence: missense variant.
Genome position (GRCh38, 1-based): chr11:108,173,706, C>A on the plus strand (G>T on the coding strand, the complement: NPAT is on the minus strand). VCF-style: chr11-108173706-C-A. GRCh37 (hg19) VCF-style: chr11-108044433-C-A.
Other names: c.1278G>T, p.Lys426Asn (NM_001321307.1); short protein forms K426N.
Identifiers: ClinVar variation 3407242 (VCV003407242.1).

ClinVar aggregate classification (germline): Uncertain significance (1 of 4 stars; one submission).

Submission:

Ambry Genetics
Classification: Uncertain significance. Last evaluated: 2024-10-15. Review status: criteria provided, single submitter. Criteria: Ambry Variant Classification Scheme 2023. Collection method: clinical testing. Allele origin: germline.
Comment: The p.K426N variant (also known as c.1278G>T), located in coding exon 13 of the NPAT gene, results from a G to T substitution at nucleotide position 1278. The lysine at codon 426 is replaced by asparagine, an amino acid with similar properties. This amino acid position is conserved. In addition, this alteration is predicted to be tolerated by in silico analysis. Based on the available evidence, the clinical significance of this variant remains unclear.